The following is an entry in ClinVar:

ClinVar aggregate classification (germline): Uncertain significance. Review status: criteria provided, multiple submitters, no conflicts (2 of 4 stars). 2 submissions from 2 submitters: Uncertain significance (2). Last evaluated 2025-05-01.

Allele frequency attached by ClinVar (database versions not stated): ESP Exome Variant Server 0.00015; gnomAD exomes 0.00008 and 0.00009; ExAC 0.00012; gnomAD 0.00003; TOPMed 0.00005.
gnomAD v4.1: 133 of 1,614,012 alleles (0.0082%); highest among the groups gnomAD compares: Non-Finnish European, 0.01%; no homozygotes.

Submissions (2):

GeneDx
Classification: Uncertain significance. Last evaluated: 2025-05-01. Review status: criteria provided, single submitter. Criteria: GeneDx Variant Classification Process June 2021. Collection method: clinical testing. Allele origin: germline. Affected: yes.
Comment: Reported in a patient with a developmental disorder, however further clinical information is not provided (PMID: 31785789); In silico analysis supports that this missense variant has a deleterious effect on protein structure/function; This variant is associated with the following publications: (PMID: 35982159, 31785789, 33057194, 29531218)

Labcorp Genetics (formerly Invitae), Labcorp
Classification: Uncertain significance. Last evaluated: 2022-05-19. Review status: criteria provided, single submitter. Criteria: Invitae Variant Classification Sherloc (09022015). Collection method: clinical testing. Allele origin: germline.
Comment: This sequence change replaces glycine, which is neutral and non-polar, with arginine, which is basic and polar, at codon 308 of the ADAMTS10 protein (p.Gly308Arg). This variant is present in population databases (rs372881047, gnomAD 0.02%). This variant has not been reported in the literature in individuals affected with ADAMTS10-related conditions. Algorithms developed to predict the effect of missense changes on protein structure and function (SIFT, PolyPhen-2, Align-GVGD) all suggest that this variant is likely to be disruptive. Algorithms developed to predict the effect of sequence changes on RNA splicing suggest that this variant may create or strengthen a splice site. In summary, the available evidence is currently insufficient to determine the role of this variant in disease. Therefore, it has been classified as a Variant of Uncertain Significance.

NM_030957.4(ADAMTS10):c.922G>A (p.Gly308Arg)

Gene: ADAMTS10 (ADAM metallopeptidase with thrombospondin type 1 motif 10; minus strand). Cytogenetic location: 19p13.2.
Variant type: single nucleotide variant.
Coding change: c.922G>A on transcript NM_030957.4 (MANE Select); coding-DNA position 922, G replaced by A.
Protein change: p.Gly308Arg; replaces glycine 308 with arginine.
Molecular consequence: missense variant.
Genome position (GRCh38, 1-based): chr19:8,597,105, C>T on the plus strand (G>A on the coding strand, the complement: ADAMTS10 is on the minus strand). VCF-style: chr19-8597105-C-T. GRCh37 (hg19) VCF-style: chr19-8661989-C-T.
Other names: c.922G>A (NM_030957.3); short protein forms G308R.
Identifiers: ClinVar variation 1496675 (VCV001496675.4), dbSNP rs372881047, ClinGen allele CA9160685.